The following is an entry in ClinVar:

NM_000051.4(ATM):c.2071G>T (p.Asp691Tyr)

Gene: ATM (ATM serine/threonine kinase; plus strand). Cytogenetic location: 11q22.3.
Variant type: single nucleotide variant.
Coding change: c.2071G>T on transcript NM_000051.4 (MANE Select); coding-DNA position 2071, G replaced by T.
Protein change: p.Asp691Tyr; replaces aspartic acid 691 with tyrosine.
Molecular consequence: missense variant.
Genome position (GRCh38, 1-based): chr11:108,253,986, G>T. VCF-style: chr11-108253986-G-T. GRCh37 (hg19) VCF-style: chr11-108124713-G-T.
Other names: c.2071G>T, p.Asp691Tyr (NM_001351834.2); short protein forms D691Y.
Identifiers: ClinVar variation 1785404 (VCV001785404.2), dbSNP rs762394404, ClinGen allele CA382537521.
Genomic context (GRCh38, chr11:108,253,986, plus strand): 5'-ATAGAAAAGCACCAGTCCAGTATTGGCTTCTCTGTCCACCAGAATCTCAAGGAATCACTG[G>T]ATCGCTGTCTTCTGGGATTATCAGAACAGCTTCTGAATAATTACTCATCTGAGGTGAGAT-3'
Protein context (NP_000042.3, residues 681-701): SVHQNLKESL[Asp691Tyr]RCLLGLSEQL

ClinVar aggregate classification (germline): Uncertain significance (1 of 4 stars; one submission).

Conditions:
Hereditary cancer-predisposing syndrome. Also called: Neoplastic Syndromes, Hereditary; Tumor predisposition; Hereditary Cancer Syndrome; Hereditary neoplastic syndrome. Identifiers: Orphanet 140162, MedGen C0027672, MeSH D009386, MONDO:0015356.

Submission:

Ambry Genetics
Classification: Uncertain significance for Hereditary cancer-predisposing syndrome. Last evaluated: 2019-09-27. Review status: criteria provided, single submitter. Criteria: Ambry Variant Classification Scheme 2023. Collection method: clinical testing. Allele origin: germline.
Comment: The p.D691Y variant (also known as c.2071G>T), located in coding exon 12 of the ATM gene, results from a G to T substitution at nucleotide position 2071. The aspartic acid at codon 691 is replaced by tyrosine, an amino acid with highly dissimilar properties. This amino acid position is not well conserved in available vertebrate species. In addition, this alteration is predicted to be tolerated by in silico analysis. Since supporting evidence is limited at this time, the clinical significance of this alteration remains unclear.